The following is an entry in ClinVar:

NM_000238.4(KCNH2):c.2771G>C (p.Gly924Ala)

Gene: KCNH2 (potassium voltage-gated channel subfamily H member 2; minus strand). Cytogenetic location: 7q36.1.
Variant type: single nucleotide variant.
Coding change: c.2771G>C on transcript NM_000238.4 (MANE Select); coding-DNA position 2771, G replaced by C.
Protein change: p.Gly924Ala; replaces glycine 924 with alanine.
Molecular consequence: missense variant.
Genome position (GRCh38, 1-based): chr7:150,947,800, C>G on the plus strand (G>C on the coding strand, the complement: KCNH2 is on the minus strand). VCF-style: chr7-150947800-C-G. GRCh37 (hg19) VCF-style: chr7-150644888-C-G.
Other names: c.2771G>C (LRG_288t1); c.1751G>C, p.Gly584Ala (NM_172057.3); short protein forms G584A, G924A.
Identifiers: ClinVar variation 67438 (VCV000067438.29), dbSNP rs199473009, ClinGen allele CA007376.
Genomic context (GRCh38, chr7:150,947,800, plus strand): 5'-TCATCCTCACTGCTCTCAGGGCTGGAGGGGCCACTGGACGGGCTCTCCCCCCACGGCCCC[C>G]CCGGCCGGCCCCGGCTACTCGGCCCTGCCCCCGCCCGGCCCGGCCCCAAGGCCGACACCT-3'
Protein context (NP_000229.1, residues 914-934): GAGPSSRGRP[Gly924Ala]GPWGESPSSG

ClinVar aggregate classification (germline): Conflicting classifications of pathogenicity. Review status: criteria provided, conflicting classifications (1 of 4 stars). 8 submissions from 8 submitters: Uncertain significance (5); Likely benign (2). 1 of the submissions does not count toward it. Last evaluated 2025-10-26.

Conditions:
Cardiovascular phenotype. Identifiers: MedGen CN230736.
Cardiac arrhythmia. Also called: Arrhythmia; Cardiac rhythm disease. Identifiers: MedGen C0003811, MONDO:0007263, HP:0011675.
Familial long QT syndrome (RWS). Also called: Congenital long QT syndrome; Romano-Ward syndrome; VENTRICULAR FIBRILLATION WITH PROLONGED QT INTERVAL. Identifiers: Orphanet 768, MedGen C1141890, MONDO:0019171.
Long QT syndrome (LQTS). Identifiers: MedGen C0023976, MeSH D008133, MONDO:0002442. Disease mechanism: loss of function. Inheritance: Various modes of inheritance.
Short QT syndrome type 1. Identifiers: Orphanet 51083, MedGen C1865020, MONDO:0012312, OMIM 609620.

Allele frequency attached by ClinVar (database versions not stated): TOPMed 0.00008; 1000 Genomes Project 30x 0.00031.
gnomAD v4.1: 144 of 1,530,568 alleles (0.0094%); highest among the groups gnomAD compares: East Asian, 0.02%; no homozygotes.

Submissions (8):

Labcorp Genetics (formerly Invitae), Labcorp
Classification: Uncertain significance for Long QT syndrome. Last evaluated: 2025-10-26. Review status: criteria provided, single submitter. Criteria: Invitae Variant Classification Sherloc (09022015). Collection method: clinical testing. Allele origin: germline.
Comment: This sequence change replaces glycine, which is neutral and non-polar, with alanine, which is neutral and non-polar, at codon 924 of the KCNH2 protein (p.Gly924Ala). The frequency data for this variant in the population databases is considered unreliable, as metrics indicate poor data quality at this position in the gnomAD database. This missense change has been observed in individual(s) with clinical features of long QT syndrome testing and/or epilepsy (PMID: 19716085, 26704558, 34002542). ClinVar contains an entry for this variant (Variation ID: 67438). An algorithm developed to predict the effect of missense changes on protein structure and function (PolyPhen-2) suggests that this variant is likely to be disruptive. Experimental studies have shown that this missense change affects KCNH2 function (PMID: 34002542). In summary, the available evidence is currently insufficient to determine the role of this variant in disease. Therefore, it has been classified as a Variant of Uncertain Significance.

Blueprint Genetics
Classification: Likely benign. Last evaluated: 2024-11-21. Review status: criteria provided, single submitter. Criteria: ACMG Guidelines, 2015. Collection method: clinical testing. Allele origin: germline.

All of Us Research Program, National Institutes of Health
Classification: Uncertain significance for Long QT syndrome. Last evaluated: 2024-09-23. Review status: criteria provided, single submitter. Criteria: ACMG Guidelines, 2015. Collection method: clinical testing. Allele origin: germline. Inheritance: Autosomal dominant inheritance. Observed: 12 variant alleles, 12 heterozygotes.
Comment: This missense variant replaces glycine with alanine at codon 924 of the KCNH2 protein. Computational prediction is inconclusive regarding the impact of this variant on protein structure and function (internally defined REVEL score threshold 0.5 < inconclusive < 0.7, PMID: 27666373). A functional study has shown that this variant causes a significant reduction in current amplitude (PMID: 34002542). This variant has been reported in an individual referred for long QT syndrome testing (PMID: 19716085) and in an individual affected with sudden unexpected death in epilepsy (PMID: 26704558, 34002542). This variant has been identified in 8/158560 chromosomes in the general population by the Genome Aggregation Database (gnomAD). The available evidence is insufficient to determine the role of this variant in disease conclusively. Therefore, this variant is classified as a Variant of Uncertain Significance.

This study involves interpretation of variants in research participants for the purpose of population health screening. Participant phenotype was not available at the time of variant classification. Additional details can be found in publication PMID: 35346344, PMCID: PMC8962531

Color Diagnostics, LLC DBA Color Health
Classification: Uncertain significance for Cardiac arrhythmia. Last evaluated: 2024-03-19. Review status: criteria provided, single submitter. Criteria: ACMG Guidelines, 2015. Collection method: clinical testing. Allele origin: germline.
Comment: This missense variant replaces glycine with alanine at codon 924 of the KCNH2 protein. Computational prediction is inconclusive regarding the impact of this variant on protein structure and function. A functional study has shown that this variant disrupts potassium channel function (PMID: 34002542). This variant has been reported in an individual referred for long QT syndrome testing (PMID: 19716085) and in an individual affected with sudden unexpected death in epilepsy (PMID: 26704558, 34002542). This variant has been identified in 8/158560 chromosomes in the general population by the Genome Aggregation Database (gnomAD). The available evidence is insufficient to determine the role of this variant in disease conclusively. Therefore, this variant is classified as a Variant of Uncertain Significance.

Ambry Genetics
Classification: Likely benign for Cardiovascular phenotype. Last evaluated: 2023-03-24. Review status: criteria provided, single submitter. Criteria: Ambry Variant Classification Scheme 2023. Collection method: clinical testing. Allele origin: germline.

Centre for Mendelian Genomics, University Medical Centre Ljubljana
Classification: Uncertain significance for Short QT syndrome type 1. Last evaluated: 2020-01-30. Review status: criteria provided, single submitter. Criteria: ACMG Guidelines, 2015. Collection method: clinical testing. Allele origin: unknown. Affected: yes.
Comment: This variant was classified as: Uncertain significance. The available evidence on this variant's pathogenicity is insufficient or conflicting. The following ACMG criteria were applied in classifying this variant: PM1,BP4.

Laboratory for Molecular Medicine, Mass General Brigham Personalized Medicine
Classification: Uncertain significance. Last evaluated: 2016-06-23. Review status: criteria provided, single submitter. Criteria: LMM Criteria. Collection method: clinical testing. Allele origin: germline.
Comment: Variant identified in a genome or exome case(s) and assessed due to predicted null impact of the variant or pathogenic assertions in the literature or databases. Disclaimer: This variant has not undergone full assessment.

Cardiovascular Biomedical Research Unit, Royal Brompton & Harefield NHS Foundation Trust
No classification provided. Condition: Familial long QT syndrome. Review status: no classification provided. Collection method: literature only. Allele origin: germline. Not counted in ClinVar's aggregate classification.
Comment: This variant has been reported as associated with Long QT syndrome in the following publications (PMID:19716085). This is a literature report, and does not necessarily reflect the clinical interpretation of the Imperial College / Royal Brompton Cardiovascular Genetics laboratory.

Literature cited by the submitters: PubMed 19716085 (cited by 5 submitters); PubMed 26704558 (cited by 4 submitters); PubMed 34002542 (cited by 3 submitters); PubMed 29884292 (cited by Ambry Genetics); PubMed 31696929 (cited by Ambry Genetics); PubMed 32048431 (cited by Ambry Genetics); PubMed 22581653 (cited by Cardiovascular Biomedical Research Unit, Royal Brompton & Harefield NHS Foundation Trust).